The following is an entry in ClinVar:

ClinVar aggregate classification (germline): Uncertain significance (1 of 4 stars; one submission).

Conditions:
Dyskeratosis congenita, autosomal recessive 5 (DKCB5). Identifiers: MedGen C3554656, MONDO:0014076, OMIM 615190.
Pulmonary fibrosis and/or bone marrow failure, Telomere-related, 3. Also called: PULMONARY FIBROSIS AND/OR BONE MARROW FAILURE SYNDROME, TELOMERE-RELATED, 3. Identifiers: Orphanet 2032, MedGen C4225346, MONDO:0014613, OMIM 616373.

Submission:

Labcorp Genetics (formerly Invitae), Labcorp
Classification: Uncertain significance for Dyskeratosis congenita, autosomal recessive 5; Pulmonary fibrosis and/or bone marrow failure, Telomere-related, 3. Last evaluated: 2021-12-15. Review status: criteria provided, single submitter. Criteria: Invitae Variant Classification Sherloc (09022015). Collection method: clinical testing. Allele origin: germline.
Comment: A copy number gain of the genomic region encompassing the full coding sequence of the RTEL1 gene has been identified. The boundaries of this event are unknown as they extend beyond the assayed region for this gene and therefore may encompass additional genes. As the precise location of this event is unknown, it may be in tandem or it may be located elsewhere in the genome. This variant has not been reported in the literature in individuals affected with RTEL1-related conditions. Experimental studies and prediction algorithms are not available or were not evaluated, and the functional significance of this variant is currently unknown. In summary, the available evidence is currently insufficient to determine the role of this variant in disease. Therefore, it has been classified as a Variant of Uncertain Significance.

NC_000020.10:g.(?_62290756)_(62327211_?)dup

Gene: RTEL1 (regulator of telomere elongation helicase 1; plus strand). Cytogenetic location: 20q13.33.
Variant type: Duplication.
Identifiers: ClinVar variation 2424109 (VCV002424109.7).